The following is an entry in ClinVar:

NC_000015.10:g.22608940C>G

Variant type: single nucleotide variant.
Genome position: GRCh38 VCF-style: chr15-22608940-C-G. GRCh37 (hg19) VCF-style: chr15-23264156-G-C.
Identifiers: ClinVar variation 2644958 (VCV002644958.24), dbSNP rs764907606, ClinGen allele CA7426740.

ClinVar aggregate classification (germline): Likely benign (1 of 4 stars; one submission).

Submission:

CeGaT Center for Human Genetics Tuebingen
Classification: Likely benign. Last evaluated: 2023-01-01. Review status: criteria provided, single submitter. Criteria: CeGaT Center For Human Genetics Tuebingen Variant Classification Criteria Version 2. Collection method: clinical testing. Allele origin: germline. Affected: yes. Observed: 2 variant alleles.
Comment: GOLGA8IP: PP2, BS2